The following is an entry in ClinVar:

ClinVar aggregate classification (germline): Pathogenic (1 of 4 stars; one submission).

Conditions:
Neurofibromatosis, type 1 (NF1). Also called: Neurofibromatosis, type I; Peripheral type neurofibromatosis; VON RECKLINGHAUSEN DISEASE; NEUROFIBROMATOSIS, TYPE I, SOMATIC. Identifiers: Orphanet 636, MedGen C0027831, MONDO:0018975, OMIM 162200. Disease mechanism: loss of function.

Submission:

Labcorp Genetics (formerly Invitae), Labcorp
Classification: Pathogenic for Neurofibromatosis, type 1. Last evaluated: 2019-05-04. Review status: criteria provided, single submitter. Criteria: Invitae Variant Classification Sherloc (09022015). Collection method: clinical testing. Allele origin: germline.
Comment: A gross deletion of the genomic region encompassing the full coding sequence of the NF1 gene has been identified. The boundaries of this event are unknown as the deletion extends beyond the assayed region for this gene and therefore may encompass additional genes. Gross deletions of the NF1 gene have been observed in many individuals with neurofibromatosis type 1 (PMID: 8116612, 8931693, 9643287). Loss-of-function variants in NF1 are known to be pathogenic (PMID: 10712197, 23913538). For these reasons, this variant has been classified as Pathogenic.

Literature cited by the submitters: PubMed 8931693; PubMed 8116612; PubMed 9643287.

NC_000017.11:g.(?_31095290)_(31183409_?)del

Gene: NF1 (neurofibromin 1; plus strand). Cytogenetic location: 17q11.2.
Variant type: Deletion.
Identifiers: ClinVar variation 831422 (VCV000831422.1).